The following is an entry in ClinVar:

NM_001278716.2(FBXL4):c.893C>T (p.Pro298Leu)

Gene: FBXL4 (F-box and leucine rich repeat protein 4; minus strand). Cytogenetic location: 6q16.2.
Variant type: single nucleotide variant.
Coding change: c.893C>T on transcript NM_001278716.2 (MANE Select); coding-DNA position 893, C replaced by T.
Protein change: p.Pro298Leu; replaces proline 298 with leucine.
Molecular consequence: missense variant. On other transcripts: non-coding transcript variant (2).
Genome position (GRCh38, 1-based): chr6:98,905,636, G>A on the plus strand (C>T on the coding strand, the complement: FBXL4 is on the minus strand). VCF-style: chr6-98905636-G-A. GRCh37 (hg19) VCF-style: chr6-99353512-G-A.
Other names: c.893C>T, p.Pro298Leu (NM_012160.5); short protein forms P298L.
Identifiers: ClinVar variation 437650 (VCV000437650.1), dbSNP rs768785974, ClinGen allele CA3933589.

ClinVar aggregate classification (germline): Uncertain significance (1 of 4 stars; one submission).

Conditions:
Mitochondrial DNA depletion syndrome 13. Also called: FBXL4-Related Encephalomyopathic Mitochondrial DNA Depletion Syndrome; Mitochondrial DNA depletion syndrome 13 (encephalomyopathic type). Identifiers: Orphanet 369897, MedGen C3809592, MONDO:0014198, OMIM 615471.

Allele frequency attached by ClinVar (database versions not stated): gnomAD exomes below 0.00001; ExAC 0.00001.
gnomAD v4.1: 1 of 1,613,724 alleles (0.000062%); highest among the groups gnomAD compares: Non-Finnish European, 0.000085%; no homozygotes.

Submission:

Wong Mito Lab, Molecular and Human Genetics, Baylor College of Medicine
Classification: Uncertain significance for Mitochondrial DNA depletion syndrome 13. Last evaluated: 2017-08-10. Review status: criteria provided, single submitter. Criteria: ACMG Guidelines, 2015. Collection method: reference population. Allele origin: germline.
Comment: The NM_012160.4:c.893C>T (NP_036292.2:p.Pro298Leu) [GRCH38: NC_000006.12:g.98905636G>A] variant in FBXL4 gene is interpretated to be a Uncertain Significance - Insufficient Evidence based on ACMG guidelines (PMID: 25741868). This variant meets one or more of the following evidence codes reported in the ACMG-guideline. PM2:This variant is absent in key population databases. PP3:Computational evidence/predictors indicate the variant has deleterious effect on FBXL4 structure, function, or protein-protein interaction. Based on this evidence code ClinGen Pathogenicity Calculator (PMID:28081714) suggested that the variant is Uncertain Significance - Insufficient Evidence.